The following is an entry in ClinVar:

ClinVar aggregate classification (germline): Conflicting classifications of pathogenicity. Review status: criteria provided, conflicting classifications (1 of 4 stars). 4 submissions from 4 submitters: Uncertain significance (2); Likely benign (2). Last evaluated 2025-06-30.

Conditions:
Cardiovascular phenotype. Identifiers: MedGen CN230736.
Cardiomyopathy (CMYO). Also called: Cardiomyopathies. Identifiers: Orphanet 167848, MedGen C0878544, MONDO:0004994, HP:0001638. Inheritance: Various modes of inheritance.
Dilated cardiomyopathy 1DD (CMD1DD). Identifiers: Orphanet 154, MedGen C2750995, MONDO:0013168, OMIM 613172.

Allele frequency attached by ClinVar (database versions not stated): TOPMed 0.00001; gnomAD exomes 0.00004 and 0.00010; gnomAD 0.00005; 1000 Genomes Project 30x 0.00016; 1000 Genomes Project 0.00020; ExAC 0.00027.
gnomAD v4.1: 68 of 1,550,892 alleles (0.0044%); highest among the groups gnomAD compares: South Asian, 0.075%; no homozygotes.

Submissions (4):

Labcorp Genetics (formerly Invitae), Labcorp
Classification: Likely benign for Dilated cardiomyopathy 1DD. Last evaluated: 2025-06-30. Review status: criteria provided, single submitter. Criteria: Invitae Variant Classification Sherloc (09022015). Collection method: clinical testing. Allele origin: germline.

Ambry Genetics
Classification: Uncertain significance for Cardiovascular phenotype. Last evaluated: 2024-08-12. Review status: criteria provided, single submitter. Criteria: Ambry Variant Classification Scheme 2023. Collection method: clinical testing. Allele origin: germline.
Comment: The p.P985S variant (also known as c.2953C>T), located in coding exon 11 of the RBM20 gene, results from a C to T substitution at nucleotide position 2953. The proline at codon 985 is replaced by serine, an amino acid with similar properties. This amino acid position is conserved. In addition, this alteration is predicted to be tolerated by in silico analysis. Based on the available evidence, the clinical significance of this variant remains unclear.

GeneDx
Classification: Uncertain significance. Last evaluated: 2024-01-18. Review status: criteria provided, single submitter. Criteria: GeneDx Variant Classification Process June 2021. Collection method: clinical testing. Allele origin: germline. Affected: yes.
Comment: Has not been previously published as pathogenic or benign to our knowledge; In silico analysis supports that this missense variant does not alter protein structure/function

CHEO Genetics Diagnostic Laboratory, Children's Hospital of Eastern Ontario
Classification: Likely benign for Cardiomyopathy. Last evaluated: 2021-05-25. Review status: criteria provided, single submitter. Criteria: ACMG Guidelines, 2015. Collection method: clinical testing. Allele origin: germline.

NM_001134363.3(RBM20):c.2953C>T (p.Pro985Ser)

Gene: RBM20 (RNA binding motif protein 20; plus strand). Cytogenetic location: 10q25.2.
Variant type: single nucleotide variant.
Coding change: c.2953C>T on transcript NM_001134363.3 (MANE Select); coding-DNA position 2953, C replaced by T.
Protein change: p.Pro985Ser; replaces proline 985 with serine.
Molecular consequence: missense variant.
Genome position (GRCh38, 1-based): chr10:110,821,572, C>T. VCF-style: chr10-110821572-C-T. GRCh37 (hg19) VCF-style: chr10-112581330-C-T.
Other names: short protein forms P985S.
Identifiers: ClinVar variation 1329092 (VCV001329092.11), dbSNP rs555981231, ClinGen allele CA5688719.